The following is an entry in ClinVar:

ClinVar aggregate classification (germline): Uncertain significance. Review status: criteria provided, multiple submitters, no conflicts (2 of 4 stars). 2 submissions from 2 submitters: Uncertain significance (2). Last evaluated 2024-06-05.

Conditions:
Inborn genetic diseases. Identifiers: MedGen C0950123, MeSH D030342.

Allele frequency attached by ClinVar (database versions not stated): ExAC 0.00002; gnomAD 0.00005 and 0.00006; gnomAD exomes 0.00005; TOPMed 0.00005.
gnomAD v4.1: 75 of 1,611,012 alleles (0.0047%); highest among the groups gnomAD compares: African/African-American, 0.013%; no homozygotes.

Submissions (2):

Ambry Genetics
Classification: Uncertain significance for Inborn genetic diseases. Last evaluated: 2024-06-05. Review status: criteria provided, single submitter. Criteria: Ambry Variant Classification Scheme 2023. Collection method: clinical testing. Allele origin: germline.

Labcorp Genetics (formerly Invitae), Labcorp
Classification: Uncertain significance. Last evaluated: 2024-02-19. Review status: criteria provided, single submitter. Criteria: Invitae Variant Classification Sherloc (09022015). Collection method: clinical testing. Allele origin: germline.
Comment: This sequence change replaces threonine, which is neutral and polar, with methionine, which is neutral and non-polar, at codon 322 of the SEC24D protein (p.Thr322Met). This variant is present in population databases (rs199527760, gnomAD 0.02%). This variant has not been reported in the literature in individuals affected with SEC24D-related conditions. ClinVar contains an entry for this variant (Variation ID: 1444650). An algorithm developed to predict the effect of missense changes on protein structure and function (PolyPhen-2) suggests that this variant is likely to be disruptive. In summary, the available evidence is currently insufficient to determine the role of this variant in disease. Therefore, it has been classified as a Variant of Uncertain Significance.

NM_014822.4(SEC24D):c.965C>T (p.Thr322Met)

Gene: SEC24D (SEC24 homolog D, COPII component; minus strand). Cytogenetic location: 4q26.
Variant type: single nucleotide variant.
Coding change: c.965C>T on transcript NM_014822.4 (MANE Select); coding-DNA position 965, C replaced by T.
Protein change: p.Thr322Met; replaces threonine 322 with methionine.
Molecular consequence: missense variant.
Genome position (GRCh38, 1-based): chr4:118,797,759, G>A on the plus strand (C>T on the coding strand, the complement: SEC24D is on the minus strand). VCF-style: chr4-118797759-G-A. GRCh37 (hg19) VCF-style: chr4-119718914-G-A.
Other names: c.968C>T, p.Thr323Met (NM_001318066.2); c.965C>T (NM_014822.2); short protein forms T322M, T323M.
Identifiers: ClinVar variation 1444650 (VCV001444650.9), dbSNP rs199527760, ClinGen allele CA3057378.